The following is an entry in ClinVar:

NM_001267550.2(TTN):c.14056del (p.Thr4686fs)

Gene: TTN (titin; minus strand). Cytogenetic location: 2q31.2.
Variant type: Deletion.
Coding change: c.14056del on transcript NM_001267550.2 (MANE Select); coding-DNA position 14056, one base deleted (A; older notation c.14056delA).
Protein change: p.Thr4686fs; shifts the reading frame from threonine 4686.
Molecular consequence: frameshift variant. On other transcripts: intron variant (1).
Genome position (GRCh38, 1-based): chr2:178,739,177, T deleted on the plus strand (A on the coding strand, the reverse complement: TTN is on the minus strand); the first of 5 consecutive T bases (chr2:178,739,177-178,739,181); deleting any one gives the same sequence. VCF-style (leftmost placement, unchanged base first): chr2-178739176-GT-G. GRCh37 (hg19) VCF-style: chr2-179603903-GT-G.
Other names: c.12967del, p.Thr4323fs (NM_003319.4); c.13105del, p.Thr4369fs (NM_001256850.1); c.13342del, p.Thr4448fs (NM_133432.3); c.13543del, p.Thr4515fs (NM_133437.4); c.10361-817del (NM_133378.4); c.14056del (LRG_391t1); c.14056delA (NM_001267550.1); short protein forms T4323fs, T4369fs, T4448fs, T4686fs, T4515fs.
Identifiers: ClinVar variation 223366 (VCV000223366.2), dbSNP rs869312104, ClinGen allele CA353330.

ClinVar aggregate classification (germline): Likely pathogenic. Review status: criteria provided, multiple submitters, no conflicts (2 of 4 stars). 2 submissions from 2 submitters: Likely pathogenic (2). Last evaluated 2022-02-02.

Conditions:
Dilated cardiomyopathy 1G (CMD1G). Identifiers: Orphanet 154, MedGen C1858763, MONDO:0011400, OMIM 604145.
Primary dilated cardiomyopathy (DCM). Also called: Dilated Cardiomyopathy. Identifiers: Orphanet 217604, MedGen C0007193, MeSH D002311, MONDO:0005021, HP:0001644. Inheritance: Various modes of inheritance.

Submissions (2):

Victorian Clinical Genetics Services, Murdoch Childrens Research Institute
Classification: Likely pathogenic for Dilated cardiomyopathy 1G. Last evaluated: 2022-02-02. Review status: criteria provided, single submitter. Criteria: ACMG Guidelines, 2015. Collection method: clinical testing. Allele origin: germline. Inheritance: Autosomal dominant inheritance. Affected: yes.
Comment: Based on the classification scheme VCGS_Germline_v1.3.4, this variant is classified as likely pathogenic. Following criteria are met: 0102 - Loss of function is known mechanism of disease in this gene. In addition, dominant-negative is also a suggested mechanism (PMID: 25589632). (I) 0108 - This gene is associated with both recessive and dominant disease (OMIM). (I) 0112 - The condition associated with this gene has incomplete penetrance. Variants in this gene that result in a premature truncating codon (PTC) are known to have reduced penetrance in DCM (PMID: 25589632). (I) 0201 - Variant is predicted to cause nonsense-mediated decay (NMD) and loss of protein (premature termination codon is located at least 54 nucleotides upstream of the final exon-exon junction). (SP) 0251 - This variant is heterozygous. (I) 0301 - Variant is absent from gnomAD (both v2 and v3). (SP) 0600 - Variant is located in the annotated N-terminal I-band and the exon has a PSI score of 100 (PMID: 25589632). (I) 0703 - Other NMD-predicted variants comparable to the one identified in this case have moderate previous evidence for pathogenicity (ClinVar). (SP) 0803 - This variant has limited previous evidence of pathogenicity in an unrelated individual. This variant has been classified as likely pathogenic, and observed in a single individual with dilated cardiomyopathy (ClinVar, LOVD, PMID: 25589632). (SP) 0905 - No published segregation evidence has been identified for this variant. (I) 1007 - No published functional evidence has been identified for this variant. (I) 1208 - Inheritance information for this variant is not currently available in this individual. (I) Legend: (SP) - Supporting pathogenic, (I) - Information, (SB) - Supporting benign

Cardiovascular Biomedical Research Unit, Royal Brompton & Harefield NHS Foundation Trust
Classification: Likely pathogenic for Primary dilated cardiomyopathy. Last evaluated: 2014-10-08. Review status: criteria provided, single submitter. Criteria: Roberts et al. 2015. Collection method: research. Allele origin: germline. Inheritance: Autosomal dominant inheritance. Affected: yes. Observed: 1 variant allele. Study: Familial DCM.
Comment: In the seven cohorts assessed, TTNtv were found in 14% of ambulant DCM, 22% end-stage or familial DCM, and 2% controls. Heterozygous nonsense, frameshift and canonical splice-disrupting variants found in constitutive and other highly utilised exons are highly likely to be pathogenic when identified in individuals with phenotypically confirmed DCM. TTNtv found incidentally in healthy individuals (excluding familial assessment of DCM relatives) are thought to have low penetrance, particularly when identified in exons that are not constitutively expressed in the heart.

Literature cited by the submitters: PubMed 25589632 (cited by Victorian Clinical Genetics Services, Murdoch Childrens Research Institute).